The following is an entry in ClinVar:

ClinVar aggregate classification (germline): Uncertain significance. Review status: criteria provided, single submitter (1 of 4 stars). 2 submissions from 2 submitters: Uncertain significance (1). 1 of the submissions does not count toward it. Last evaluated 2024-12-03.

Conditions:
PACS2-related disorder. Also called: PACS2-related condition.

gnomAD v4.1: 22 of 1,551,326 alleles (0.0014%); highest among the groups gnomAD compares: South Asian, 0.012%; no homozygotes.

Submissions (2):

Labcorp Genetics (formerly Invitae), Labcorp
Classification: Uncertain significance. Last evaluated: 2024-12-03. Review status: criteria provided, single submitter. Criteria: Invitae Variant Classification Sherloc (09022015). Collection method: clinical testing. Allele origin: germline.
Comment: This sequence change replaces glutamic acid, which is acidic and polar, with lysine, which is basic and polar, at codon 425 of the PACS2 protein (p.Glu425Lys). This variant is present in population databases (rs782736529, gnomAD 0.02%). This variant has not been reported in the literature in individuals affected with PACS2-related conditions. Invitae Evidence Modeling of protein sequence and biophysical properties (such as structural, functional, and spatial information, amino acid conservation, physicochemical variation, residue mobility, and thermodynamic stability) indicates that this missense variant is not expected to disrupt PACS2 protein function with a negative predictive value of 80%. In summary, the available evidence is currently insufficient to determine the role of this variant in disease. Therefore, it has been classified as a Variant of Uncertain Significance.

PreventionGenetics, part of Exact Sciences
Classification: Likely benign for PACS2-related condition. Last evaluated: 2024-03-14. Review status: no assertion criteria provided. Collection method: clinical testing. Allele origin: germline. Not counted in ClinVar's aggregate classification.
Comment: This variant is classified as likely benign based on ACMG/AMP sequence variant interpretation guidelines (Richards et al. 2015 PMID: 25741868, with internal and published modifications).

NM_001100913.3(PACS2):c.1273G>A (p.Glu425Lys)

Gene: PACS2 (phosphofurin acidic cluster sorting protein 2; plus strand). Cytogenetic location: 14q32.33.
Variant type: single nucleotide variant.
Coding change: c.1273G>A on transcript NM_001100913.3 (MANE Select); coding-DNA position 1273, G replaced by A.
Protein change: p.Glu425Lys; replaces glutamic acid 425 with lysine.
Molecular consequence: missense variant.
Genome position (GRCh38, 1-based): chr14:105,381,918, G>A. VCF-style: chr14-105381918-G-A. GRCh37 (hg19) VCF-style: chr14-105848255-G-A.
Other names: c.1048G>A, p.Glu350Lys (NM_001243127.3); c.1273G>A, p.Glu425Lys (NM_015197.4); short protein forms E350K, E425K.
Identifiers: ClinVar variation 3351768 (VCV003351768.3).